The following is an entry in ClinVar:

NM_000245.4(MET):c.212A>G (p.Tyr71Cys)

Gene: MET (MET proto-oncogene, receptor tyrosine kinase; plus strand). Cytogenetic location: 7q31.2.
Variant type: single nucleotide variant.
Coding change: c.212A>G on transcript NM_000245.4 (MANE Select); coding-DNA position 212, A replaced by G.
Protein change: p.Tyr71Cys; replaces tyrosine 71 with cysteine.
Molecular consequence: missense variant. On other transcripts: intron variant (1).
Genome position (GRCh38, 1-based): chr7:116,699,296, A>G. VCF-style: chr7-116699296-A-G. GRCh37 (hg19) VCF-style: chr7-116339350-A-G.
Other names: c.212A>G, p.Tyr71Cys (NM_001127500.3, NM_001324401.3); c.-91+26719A>G (NM_001324402.2); short protein forms Y71C.
Identifiers: ClinVar variation 572371 (VCV000572371.13), dbSNP rs1260635670, ClinGen allele CA368968578.

ClinVar aggregate classification (germline): Uncertain significance. Review status: criteria provided, multiple submitters, no conflicts (2 of 4 stars). 2 submissions from 2 submitters: Uncertain significance (2). Last evaluated 2024-10-07.

Conditions:
Hereditary cancer-predisposing syndrome. Also called: Neoplastic Syndromes, Hereditary; Hereditary Cancer Syndrome; Tumor predisposition; Hereditary neoplastic syndrome. Identifiers: Orphanet 140162, MedGen C0027672, MeSH D009386, MONDO:0015356.
Renal cell carcinoma. Identifiers: Orphanet 217071, MedGen C0007134, MeSH D002292, MONDO:0005086, HP:0005584.

Allele frequency attached by ClinVar (database versions not stated): gnomAD exomes below 0.00001.

Submissions (2):

Labcorp Genetics (formerly Invitae), Labcorp
Classification: Uncertain significance for Renal cell carcinoma. Last evaluated: 2024-10-07. Review status: criteria provided, single submitter. Criteria: Invitae Variant Classification Sherloc (09022015). Collection method: clinical testing. Allele origin: germline.
Comment: This sequence change replaces tyrosine, which is neutral and polar, with cysteine, which is neutral and slightly polar, at codon 71 of the MET protein (p.Tyr71Cys). This variant is present in population databases (no rsID available, gnomAD 0.0009%). This variant has not been reported in the literature in individuals affected with MET-related conditions. ClinVar contains an entry for this variant (Variation ID: 572371). Invitae Evidence Modeling of protein sequence and biophysical properties (such as structural, functional, and spatial information, amino acid conservation, physicochemical variation, residue mobility, and thermodynamic stability) indicates that this missense variant is expected to disrupt MET protein function with a positive predictive value of 80%. In summary, the available evidence is currently insufficient to determine the role of this variant in disease. Therefore, it has been classified as a Variant of Uncertain Significance.

Ambry Genetics
Classification: Uncertain significance for Hereditary cancer-predisposing syndrome. Last evaluated: 2022-10-29. Review status: criteria provided, single submitter. Criteria: Ambry Variant Classification Scheme 2023. Collection method: clinical testing. Allele origin: germline.
Comment: The p.Y71C variant (also known as c.212A>G), located in coding exon 1 of the MET gene, results from an A to G substitution at nucleotide position 212. The tyrosine at codon 71 is replaced by cysteine, an amino acid with highly dissimilar properties. This amino acid position is conserved. In addition, this alteration is predicted to be deleterious by in silico analysis. Since supporting evidence is limited at this time, the clinical significance of this alteration remains unclear.